The following is an entry in ClinVar:

NM_002693.3(POLG):c.617G>A (p.Gly206Glu)

Genes: POLG (DNA polymerase gamma, catalytic subunit; minus strand), POLGARF (POLG alternative reading frame; minus strand). Cytogenetic location: 15q26.1.
Variant type: single nucleotide variant.
Coding change: c.617G>A on transcript NM_002693.3 (MANE Select); coding-DNA position 617, G replaced by A.
Protein change: p.Gly206Glu; replaces glycine 206 with glutamic acid.
Molecular consequence: missense variant.
Genome position (GRCh38, 1-based): chr15:89,333,138, C>T on the plus strand (G>A on the coding strand, the complement: POLG is on the minus strand). VCF-style: chr15-89333138-C-T. GRCh37 (hg19) VCF-style: chr15-89876369-C-T.
Other names: c.617G>A, p.Gly206Glu (NM_001126131.2); short protein forms G206E.
Identifiers: ClinVar variation 936837 (VCV000936837.10), dbSNP rs2055616949, ClinGen allele CA393770357.

ClinVar aggregate classification (germline): Uncertain significance (1 of 4 stars; one submission).

Conditions:
Progressive sclerosing poliodystrophy (MTDPS4A). Also called: NEURONAL DEGENERATION OF CHILDHOOD WITH LIVER DISEASE, PROGRESSIVE; ALPERS PROGRESSIVE INFANTILE POLIODYSTROPHY; Mitochondrial DNA Depletion Syndrome 4A; Alpers-Huttenlocher Syndrome (AHS); Alpers Syndrome; ALPERS DIFFUSE DEGENERATION OF CEREBRAL GRAY MATTER WITH HEPATIC CIRRHOSIS. Identifiers: Orphanet 726, MedGen C0205710, MONDO:0008758, OMIM 203700.

Allele frequency attached by ClinVar (database versions not stated): gnomAD exomes below 0.00001.
gnomAD v4.1: 3 of 1,530,556 alleles (0.0002%); highest among the groups gnomAD compares: Non-Finnish European, 0.00026%; no homozygotes.

Submission:

Labcorp Genetics (formerly Invitae), Labcorp
Classification: Uncertain significance for Progressive sclerosing poliodystrophy. Last evaluated: 2026-01-02. Review status: criteria provided, single submitter. Criteria: Invitae Variant Classification Sherloc (09022015). Collection method: clinical testing. Allele origin: germline.
Comment: This sequence change replaces glycine, which is neutral and non-polar, with glutamic acid, which is acidic and polar, at codon 206 of the POLG protein (p.Gly206Glu). This variant is not present in population databases (gnomAD no frequency). This variant has not been reported in the literature in individuals affected with POLG-related conditions. ClinVar contains an entry for this variant (Variation ID: 936837). Invitae Evidence Modeling of protein sequence and biophysical properties (such as structural, functional, and spatial information, amino acid conservation, physicochemical variation, residue mobility, and thermodynamic stability) indicates that this missense variant is expected to disrupt POLG protein function with a positive predictive value of 95%. In summary, the available evidence is currently insufficient to determine the role of this variant in disease. Therefore, it has been classified as a Variant of Uncertain Significance.